The following is an entry in ClinVar:

NM_002454.3(MTRR):c.1371-1G>A

Gene: MTRR (5-methyltetrahydrofolate-homocysteine methyltransferase reductase; plus strand). Cytogenetic location: 5p15.31.
Variant type: single nucleotide variant.
Coding change: c.1371-1G>A on transcript NM_002454.3 (MANE Select); the canonical splice acceptor site of the intron before coding-DNA position 1371, G replaced by A.
Molecular consequence: splice acceptor variant.
Genome position (GRCh38, 1-based): chr5:7,892,726, G>A. VCF-style: chr5-7892726-G-A. GRCh37 (hg19) VCF-style: chr5-7892839-G-A.
Other names: c.1371-1G>A (NM_001364441.2, NM_001364442.2, NM_024010.4 and 1 more transcripts).
Identifiers: ClinVar variation 959808 (VCV000959808.13), dbSNP rs1219605974, ClinGen allele CA359158778.
Genomic context (GRCh38, chr5:7,892,726, plus strand): 5'-TTGACCCATATGTGTAGTAGTACTGATATCGAGTTCAAAACTTGTCTGTGTATCTTTGCA[G>A]CTCAAGTTTATTTCACCCAGGAAAGCTCCATTTTGTCTTCAACATTGTGGAATTTCTGTC-3'

ClinVar aggregate classification (germline): Likely pathogenic. Review status: criteria provided, multiple submitters, no conflicts (2 of 4 stars). 2 submissions from 2 submitters: Likely pathogenic (2). Last evaluated 2024-10-08.

Conditions:
Methylcobalamin deficiency type cblE (HMAE). Also called: HOMOCYSTINURIA-MEGALOBLASTIC ANEMIA, cblE COMPLEMENTATION TYPE; VITAMIN B12-RESPONSIVE HOMOCYSTINURIA, cblE TYPE; HOMOCYSTINURIA-MEGALOBLASTIC ANEMIA, cblE TYPE. Identifiers: Orphanet 2169, Orphanet 622, MedGen C1856057, MONDO:0009354, OMIM 236270.

Submissions (2):

Natera, Inc.
Classification: Likely pathogenic for CblE complementation type homocystinuria-megaloblastic anemia due to defect in cobalamin metabolism. Last evaluated: 2024-10-08. Review status: criteria provided, single submitter. Criteria: Natera Variant Classification Schema (03/2026). Collection method: clinical testing. Allele origin: germline.
Comment: The c.1371-1G>A variant in MTRR is a canonical splice acceptor site variant predicted to affect pre-mRNA splicing, which may result in an abnormal transcript and altered protein product. This variant is expected to result in nonsense mediated decay, truncation, or a dysfunctional protein product. This variant is rare in the general population with a frequency below the threshold expected for the associated phenotype(s). Given the available evidence, this variant is classified as Likely Pathogenic.

Labcorp Genetics (formerly Invitae), Labcorp
Classification: Likely pathogenic for Methylcobalamin deficiency type cblE. Last evaluated: 2019-08-09. Review status: criteria provided, single submitter. Criteria: Invitae Variant Classification Sherloc (09022015). Collection method: clinical testing. Allele origin: germline.
Comment: This sequence change affects an acceptor splice site in intron 10 of the MTRR gene. It is expected to disrupt RNA splicing and likely results in an absent or disrupted protein product. This variant is not present in population databases (ExAC no frequency). This variant has not been reported in the literature in individuals with MTRR-related conditions. Algorithms developed to predict the effect of sequence changes on RNA splicing suggest that this variant may disrupt the consensus splice site, but this prediction has not been confirmed by published transcriptional studies. Donor and acceptor splice site variants typically lead to a loss of protein function (PMID: 16199547), and loss-of-function variants in MTRR are known to be pathogenic (PMID: 15714522). In summary, the currently available evidence indicates that the variant is pathogenic, but additional data are needed to prove that conclusively. Therefore, this variant has been classified as Likely Pathogenic.

Literature cited by the submitters: PubMed 16199547 (cited by Labcorp Genetics (formerly Invitae), Labcorp); PubMed 15714522 (cited by Labcorp Genetics (formerly Invitae), Labcorp).